The following is an entry in ClinVar:

NM_000208.4(INSR):c.489C>A (p.Ile163=)

Gene: INSR (insulin receptor; minus strand). Cytogenetic location: 19p13.2.
Variant type: single nucleotide variant.
Coding change: c.489C>A on transcript NM_000208.4 (MANE Select); coding-DNA position 489, C replaced by A.
Protein change: p.Ile163=; no amino-acid change (isoleucine 163 retained).
Molecular consequence: synonymous variant.
Genome position (GRCh38, 1-based): chr19:7,267,508, G>T on the plus strand (C>A on the coding strand, the complement: INSR is on the minus strand). VCF-style: chr19-7267508-G-T. GRCh37 (hg19) VCF-style: chr19-7267519-G-T.
Other names: c.489C>A, p.Ile163= (NM_001079817.3).
Identifiers: ClinVar variation 750075 (VCV000750075.16), dbSNP rs530955658, ClinGen allele CA9136112.

ClinVar aggregate classification (germline): Conflicting classifications of pathogenicity. Review status: criteria provided, conflicting classifications (1 of 4 stars). 7 submissions from 5 submitters: Uncertain significance (1); Benign (1); Likely benign (5). Last evaluated 2024-09-02.

Conditions:
Leprechaunism syndrome. Also called: Donohue syndrome; LEPRECHAUNISM. Identifiers: Orphanet 508, MedGen C0265344, MONDO:0009517, OMIM 246200.
Rabson-Mendenhall syndrome. Also called: Pineal Hyperplasia, Insulin-Resistant Diabetes Mellitus, and Somatic Abnormalities; Pineal hyperplasia AND diabetes mellitus syndrome; MENDENHALL SYNDROME. Identifiers: Orphanet 769, MedGen C0271695, MONDO:0009874, OMIM 262190.
Insulin-resistant diabetes mellitus AND acanthosis nigricans. Also called: INSULIN RECEPTOR, DEFECT IN, WITH INSULIN-RESISTANT DIABETES MELLITUS AND ACANTHOSIS NIGRICANS; IRAN, TYPE A; Insulin-resistance syndrome type A; type A insulin resistance; DIABETES MELLITUS, INSULIN-RESISTANT, WITH ACANTHOSIS NIGRICANS, TYPE A. Identifiers: Orphanet 2297, MedGen C0342278, MONDO:0012520, OMIM 610549.
Type 2 diabetes mellitus. Also called: Type II diabetes mellitus. Identifiers: MedGen C0011860, MeSH D003924, MONDO:0005148, OMIM 125853, HP:0005978.

Allele frequency attached by ClinVar (database versions not stated): gnomAD below 0.00001 and 0.00023; TOPMed 0.00006; 1000 Genomes Project 30x 0.00172; 1000 Genomes Project 0.00180.
gnomAD v4.1: 689 of 1,614,084 alleles (0.043%); highest among the groups gnomAD compares: South Asian, 0.7%; 8 homozygotes.

Submissions (7):

Blueprint Genetics
Classification: Likely benign. Last evaluated: 2024-09-02. Review status: criteria provided, single submitter. Criteria: ACMG Guidelines, 2015. Collection method: clinical testing. Allele origin: germline.

Labcorp Genetics (formerly Invitae), Labcorp
Classification: Benign. Last evaluated: 2024-05-16. Review status: criteria provided, single submitter. Criteria: Invitae Variant Classification Sherloc (09022015). Collection method: clinical testing. Allele origin: germline.

Genetic Services Laboratory, University of Chicago
Classification: Likely benign. Last evaluated: 2018-11-19. Review status: criteria provided, single submitter. Criteria: ACMG Guidelines, 2015. Collection method: clinical testing. Allele origin: germline. Affected: no.

Illumina Laboratory Services, Illumina
Classification: Likely benign for Rabson-Mendenhall syndrome. Last evaluated: 2018-01-12. Review status: criteria provided, single submitter. Criteria: ICSL Variant Classification Criteria 13 December 2019. Collection method: clinical testing. Allele origin: germline.
Comment: This variant was observed in the ICSL laboratory as part of a predisposition screen in an ostensibly healthy population. It had not been previously curated by ICSL or reported in the Human Gene Mutation Database (HGMD: prior to June 1st, 2018), and was therefore a candidate for classification through an automated scoring system. Utilizing variant allele frequency, disease prevalence and penetrance estimates, and inheritance mode, an automated score was calculated to assess if this variant is too frequent to cause the disease. Based on the score and internal cut-off values, a variant classified as likely benign is not then subjected to further curation. The score for this variant resulted in a classification of likely benign for this disease.

Illumina Laboratory Services, Illumina
Classification: Likely benign for Leprechaunism syndrome. Last evaluated: 2018-01-12. Review status: criteria provided, single submitter. Criteria: ICSL Variant Classification Criteria 13 December 2019. Collection method: clinical testing. Allele origin: germline.
Comment: the same text as in the submission from Illumina Laboratory Services, Illumina above.

Illumina Laboratory Services, Illumina
Classification: Likely benign for Insulin-resistant diabetes mellitus AND acanthosis nigricans. Last evaluated: 2018-01-12. Review status: criteria provided, single submitter. Criteria: ICSL Variant Classification Criteria 13 December 2019. Collection method: clinical testing. Allele origin: germline.
Comment: the same text as in the submission from Illumina Laboratory Services, Illumina above.

Clinical Genomics, Uppaluri K&H Personalized Medicine Clinic
Classification: Uncertain significance for Type 2 diabetes mellitus. Review status: criteria provided, single submitter. Criteria: K & H Uppaluri Personalized Medicine Clinic Variant Classification & Assertion Criteria_Updated V.1. Collection method: research. Allele origin: somatic. Inheritance: Autosomal dominant inheritance.
Comment: Mutations in INSR gene can cause early onset diabetes mellitus which is insulin dependent. Poor response to sulfonylureas, as this mutation can cause beta cell destruction. However, no sufficient evidence found for the role of this particular variant (rs530955658) in DM and MODY yet.

Literature cited by the submitters: PubMed 31989990 (cited by Clinical Genomics, Uppaluri K&H Personalized Medicine Clinic).